The following is an entry in ClinVar:

ClinVar aggregate classification (germline): Conflicting classifications of pathogenicity. Review status: criteria provided, conflicting classifications (1 of 4 stars). 3 submissions from 3 submitters: Uncertain significance (2); Likely benign (1). Last evaluated 2026-05-18.

Conditions:
Cardiovascular phenotype. Identifiers: MedGen CN230736.
Noonan syndrome 9 (NS9). Identifiers: Orphanet 648, MedGen C4225282, MONDO:0014691, OMIM 616559.

Allele frequency attached by ClinVar (database versions not stated): gnomAD 0.00003; 1000 Genomes Project 30x 0.00047; TOPMed 0.00001; gnomAD exomes 0.00002; ExAC 0.00004; 1000 Genomes Project 0.00060.
gnomAD v4.1: 35 of 1,610,408 alleles (0.0022%); highest among the groups gnomAD compares: South Asian, 0.035%; 2 homozygotes.

Submissions (3):

Women's Health and Genetics/Laboratory Corporation of America, LabCorp
Classification: Uncertain significance. Last evaluated: 2026-05-18. Review status: criteria provided, single submitter. Criteria: LabCorp Variant Classification Summary - May 2015. Collection method: clinical testing. Allele origin: germline.

Ambry Genetics
Classification: Uncertain significance for Cardiovascular phenotype. Last evaluated: 2025-07-30. Review status: criteria provided, single submitter. Criteria: Ambry Variant Classification Scheme 2023. Collection method: clinical testing. Allele origin: germline.
Comment: The p.V184L variant (also known as c.550G>C), located in coding exon 5 of the SOS2 gene, results from a G to C substitution at nucleotide position 550. The valine at codon 184 is replaced by leucine, an amino acid with highly similar properties. This amino acid position is conserved. In addition, this alteration is predicted to be tolerated by in silico analysis. Since supporting evidence is limited at this time, the clinical significance of this alteration remains unclear.

Labcorp Genetics (formerly Invitae), Labcorp
Classification: Likely benign for Noonan syndrome 9. Last evaluated: 2024-12-08. Review status: criteria provided, single submitter. Criteria: Invitae Variant Classification Sherloc (09022015). Collection method: clinical testing. Allele origin: germline.

NM_006939.4(SOS2):c.550G>C (p.Val184Leu)

Gene: SOS2 (SOS Ras/Rho guanine nucleotide exchange factor 2; minus strand). Cytogenetic location: 14q21.3.
Variant type: single nucleotide variant.
Coding change: c.550G>C on transcript NM_006939.4 (MANE Select); coding-DNA position 550, G replaced by C.
Protein change: p.Val184Leu; replaces valine 184 with leucine.
Molecular consequence: missense variant.
Genome position (GRCh38, 1-based): chr14:50,188,661, C>G on the plus strand (G>C on the coding strand, the complement: SOS2 is on the minus strand). VCF-style: chr14-50188661-C-G. GRCh37 (hg19) VCF-style: chr14-50655379-C-G.
Other names: c.550G>C, p.Val184Leu (NM_001411020.1); short protein forms V184L.
Identifiers: ClinVar variation 2190541 (VCV002190541.7), dbSNP rs553395791, ClinGen allele CA7177502.
Genomic context (GRCh38, chr14:50,188,661, plus strand): 5'-TGACAAGATCATAGTAGTTTAATTCACCAGAAGAACTAGGTTCATCTTCACAGAGAGAAA[C>G]CAAACCTATGTCATCCTGATCAAACATGTCCATCAAAACCTGAGAAACAGAAATCAATAA-3'
Protein context (NP_008870.2, residues 174-194): DMFDQDDIGL[Val184Leu]SLCEDEPSSS